The following is an entry in ClinVar:

NM_020964.3(EPG5):c.5420T>C (p.Ile1807Thr)

Gene: EPG5 (ectopic P-granules 5 autophagy tethering factor; minus strand). Cytogenetic location: 18q12.3.
Variant type: single nucleotide variant.
Coding change: c.5420T>C on transcript NM_020964.3 (MANE Select); coding-DNA position 5420, T replaced by C.
Protein change: p.Ile1807Thr; replaces isoleucine 1807 with threonine.
Molecular consequence: missense variant.
Genome position (GRCh38, 1-based): chr18:45,882,372, A>G on the plus strand (T>C on the coding strand, the complement: EPG5 is on the minus strand). VCF-style: chr18-45882372-A-G. GRCh37 (hg19) VCF-style: chr18-43462337-A-G.
Other names: short protein forms I1807T.
Identifiers: ClinVar variation 1433869 (VCV001433869.7), dbSNP rs764666107, ClinGen allele CA8948591.

ClinVar aggregate classification (germline): Uncertain significance (1 of 4 stars; one submission).

Conditions:
Vici syndrome (VICIS). Identifiers: Orphanet 1493, MedGen C1855772, MONDO:0009452, OMIM 242840.

Allele frequency attached by ClinVar (database versions not stated): gnomAD exomes 0.00001; ExAC 0.00001.
gnomAD v4.1: 11 of 1,614,238 alleles (0.00068%); highest among the groups gnomAD compares: Non-Finnish European, 0.00093%; no homozygotes.

Submission:

Labcorp Genetics (formerly Invitae), Labcorp
Classification: Uncertain significance for Vici syndrome. Last evaluated: 2021-08-18. Review status: criteria provided, single submitter. Criteria: Invitae Variant Classification Sherloc (09022015). Collection method: clinical testing. Allele origin: germline.
Comment: This sequence change replaces isoleucine with threonine at codon 1807 of the EPG5 protein (p.Ile1807Thr). The isoleucine residue is moderately conserved and there is a moderate physicochemical difference between isoleucine and threonine. In summary, the available evidence is currently insufficient to determine the role of this variant in disease. Therefore, it has been classified as a Variant of Uncertain Significance. Algorithms developed to predict the effect of missense changes on protein structure and function are either unavailable or do not agree on the potential impact of this missense change (SIFT: "Deleterious"; PolyPhen-2: "Probably Damaging"; Align-GVGD: "Class C0"). This variant has not been reported in the literature in individuals affected with EPG5-related conditions. This variant is present in population databases (rs764666107, ExAC 0.001%).